The following is an entry in ClinVar:

ClinVar aggregate classification (germline): Uncertain significance (1 of 4 stars; one submission).

Conditions:
Progressive myoclonic epilepsy type 8. Identifiers: Orphanet 424027, MedGen C5190825, MONDO:0014545, OMIM 616230.

Submission:

Labcorp Genetics (formerly Invitae), Labcorp
Classification: Uncertain significance for Progressive myoclonic epilepsy type 8. Last evaluated: 2025-12-22. Review status: criteria provided, single submitter. Criteria: Invitae Variant Classification Sherloc (09022015). Collection method: clinical testing. Allele origin: germline.
Comment: This sequence change replaces serine, which is neutral and polar, with arginine, which is basic and polar, at codon 246 of the CERS1 protein (p.Ser246Arg). This variant is not present in population databases (gnomAD no frequency). This variant has not been reported in the literature in individuals affected with CERS1-related conditions. ClinVar contains an entry for this variant (Variation ID: 1024152). Invitae Evidence Modeling of protein sequence and biophysical properties (such as structural, functional, and spatial information, amino acid conservation, physicochemical variation, residue mobility, and thermodynamic stability) indicates that this missense variant is expected to disrupt CERS1 protein function with a positive predictive value of 80%. In summary, the available evidence is currently insufficient to determine the role of this variant in disease. Therefore, it has been classified as a Variant of Uncertain Significance.

NM_021267.5(CERS1):c.738C>G (p.Ser246Arg)

Genes: CERS1 (ceramide synthase 1; minus strand), GDF1 (growth differentiation factor 1; minus strand). Cytogenetic location: 19p13.11.
Variant type: single nucleotide variant.
Coding change: c.738C>G on transcript NM_021267.5 (MANE Select); coding-DNA position 738, C replaced by G.
Protein change: p.Ser246Arg; replaces serine 246 with arginine.
Molecular consequence: missense variant. On other transcripts: 5 prime UTR variant (1), intron variant (1).
Genome position (GRCh38, 1-based): chr19:18,880,288, G>C on the plus strand (C>G on the coding strand, the complement: CERS1 is on the minus strand). VCF-style: chr19-18880288-G-C. GRCh37 (hg19) VCF-style: chr19-18991097-G-C.
Other names: c.444C>G, p.Ser148Arg (NM_001290265.2, NM_001387442.1, NM_001387443.1 and 2 more transcripts); c.738C>G, p.Ser246Arg (NM_001387439.1, NM_001387440.1, NM_198207.3); c.693C>G, p.Ser231Arg (NM_001387441.1); c.-585C>G (NM_001492.6); c.-313+3799C>G (NM_001387438.1); short protein forms S148R, S246R, S231R.
Identifiers: ClinVar variation 1024152 (VCV001024152.8), dbSNP rs2056170861, ClinGen allele CA404866068.